The following is an entry in ClinVar:

NM_001378454.1(ALMS1):c.10573C>T (p.His3525Tyr)

Gene: ALMS1 (ALMS1 centrosome and basal body associated protein; plus strand). Cytogenetic location: 2p13.1.
Variant type: single nucleotide variant.
Coding change: c.10573C>T on transcript NM_001378454.1 (MANE Select); coding-DNA position 10573, C replaced by T.
Protein change: p.His3525Tyr; replaces histidine 3525 with tyrosine.
Molecular consequence: missense variant.
Genome position (GRCh38, 1-based): chr2:73,572,450, C>T. VCF-style: chr2-73572450-C-T. GRCh37 (hg19) VCF-style: chr2-73799577-C-T.
Other names: c.10576C>T, p.His3526Tyr (NM_015120.4); short protein forms H3525Y, H3526Y.
Identifiers: ClinVar variation 967821 (VCV000967821.8), dbSNP rs778304579, ClinGen allele CA1715028.

ClinVar aggregate classification (germline): Uncertain significance. Review status: criteria provided, multiple submitters, no conflicts (2 of 4 stars). 3 submissions from 3 submitters: Uncertain significance (2). 1 of the submissions does not count toward it. Last evaluated 2023-07-07.

Conditions:
Alstrom syndrome (ALMS). Identifiers: Orphanet 64, MedGen C0268425, MONDO:0008763, OMIM 203800.

Allele frequency attached by ClinVar (database versions not stated): TOPMed below 0.00001; gnomAD 0.00001; gnomAD exomes 0.00001 and 0.00002; ExAC 0.00003.
gnomAD v4.1: 13 of 1,613,852 alleles (0.00081%); highest among the groups gnomAD compares: East Asian, 0.02%; no homozygotes.

Submissions (3):

Labcorp Genetics (formerly Invitae), Labcorp
Classification: Uncertain significance for Alstrom syndrome. Last evaluated: 2023-07-07. Review status: criteria provided, single submitter. Criteria: Invitae Variant Classification Sherloc (09022015). Collection method: clinical testing. Allele origin: germline.
Comment: This sequence change replaces histidine, which is basic and polar, with tyrosine, which is neutral and polar, at codon 3526 of the ALMS1 protein (p.His3526Tyr). This variant is present in population databases (rs778304579, gnomAD 0.03%). This variant has not been reported in the literature in individuals affected with ALMS1-related conditions. ClinVar contains an entry for this variant (Variation ID: 967821). Experimental studies and prediction algorithms are not available or were not evaluated, and the functional significance of this variant is currently unknown. In summary, the available evidence is currently insufficient to determine the role of this variant in disease. Therefore, it has been classified as a Variant of Uncertain Significance.

Blueprint Genetics
Classification: Uncertain significance. Last evaluated: 2020-09-28. Review status: criteria provided, single submitter. Criteria: ACMG Guidelines, 2015. Collection method: clinical testing. Allele origin: germline.

Natera, Inc.
Classification: Uncertain significance for Alstrom syndrome. Last evaluated: 2020-11-30. Review status: no assertion criteria provided. Collection method: clinical testing. Allele origin: germline. Not counted in ClinVar's aggregate classification.